The following is an entry in ClinVar:

NM_058216.3(RAD51C):c.1005C>T (p.Cys335=)

Gene: RAD51C (RAD51 paralog C; plus strand). Cytogenetic location: 17q22.
Variant type: single nucleotide variant.
Coding change: c.1005C>T on transcript NM_058216.3 (MANE Select); coding-DNA position 1005, C replaced by T.
Protein change: p.Cys335=; no amino-acid change (cysteine 335 retained).
Molecular consequence: synonymous variant. On other transcripts: non-coding transcript variant (1).
Genome position (GRCh38, 1-based): chr17:58,732,523, C>T. VCF-style: chr17-58732523-C-T. GRCh37 (hg19) VCF-style: chr17-56809884-C-T.
Identifiers: ClinVar variation 3903850 (VCV003903850.2).
Genomic context (GRCh38, chr17:58,732,523, plus strand): 5'-TTATTCTTTTTCTTTAAGCAGGTTGGCAACATTGTACAAGTCACCCAGCCAGAAGGAATG[C>T]ACAGTACTGTTTCAAATCAAAGTCAGTATTATTTGATTAGAGTGGGATTTTGATATTGAT-3'
Protein context (NP_478123.1, residues 325-345): TLYKSPSQKE[Cys335=]TVLFQIKPQG

ClinVar aggregate classification (germline): Benign/Likely benign. Review status: criteria provided, multiple submitters, no conflicts (2 of 4 stars). 2 submissions from 2 submitters: Benign (1); Likely benign (1). Last evaluated 2025-09-25.

Conditions:
Breast-ovarian cancer, familial, susceptibility to, 3. Also called: RAD51C-Related Breast/Ovarian Cancer. Identifiers: Orphanet 145, MedGen C3150659, MONDO:0013253, OMIM 613399.
Hereditary cancer-predisposing syndrome. Also called: Hereditary Cancer Syndrome; Hereditary neoplastic syndrome; Neoplastic Syndromes, Hereditary; Tumor predisposition. Identifiers: Orphanet 140162, MedGen C0027672, MeSH D009386, MONDO:0015356.

Submissions (2):

Ambry Genetics
Classification: Likely benign for Hereditary cancer-predisposing syndrome. Last evaluated: 2025-09-25. Review status: criteria provided, single submitter. Criteria: Ambry Variant Classification Scheme 2023. Collection method: clinical testing. Allele origin: germline.

Myriad Genetics, Inc.
Classification: Benign for Breast-ovarian cancer, familial, susceptibility to, 3. Last evaluated: 2025-02-19. Review status: criteria provided, single submitter. Criteria: Myriad Autosomal Dominant, Autosomal Recessive and X-Linked Classification Criteria (2023). Collection method: clinical testing. Allele origin: unknown.
Comment: This variant is considered benign. This variant is a silent/synonymous amino acid change and it is not expected to impact splicing.